The following is an entry in ClinVar:

ClinVar aggregate classification (germline): Uncertain significance (1 of 4 stars; one submission).

Conditions:
PEX19-related disorder. Also called: PEX19-related condition.

gnomAD v4.1: 10 of 1,609,488 alleles (0.00062%); highest among the groups gnomAD compares: Non-Finnish European, 0.00085%; no homozygotes.

Submission:

PreventionGenetics, part of Exact Sciences
Classification: Uncertain significance for PEX19-related condition. Last evaluated: 2026-04-22. Review status: criteria provided, single submitter. Criteria: ACMG Guidelines, 2015. Collection method: clinical testing. Allele origin: germline.
Comment: The PEX19 c.*10C>T variant is located in the 3' untranslated region. To our knowledge, this variant has not been reported in the literature. This variant is reported in 0.0026% of alleles in individuals of European (Non-Finnish) descent in gnomAD. At this time, the clinical significance of this variant is uncertain due to the absence of conclusive functional and genetic evidence.

NM_002857.4(PEX19):c.*10C>T

Gene: PEX19 (peroxisomal biogenesis factor 19; minus strand). Cytogenetic location: 1q23.2.
Variant type: single nucleotide variant.
Coding change: c.*10C>T on transcript NM_002857.4 (MANE Select); 10 bases downstream of the stop codon, C replaced by T.
Molecular consequence: 3 prime UTR variant. On other transcripts: non-coding transcript variant (2).
Genome position (GRCh38, 1-based): chr1:160,279,541, G>A on the plus strand (C>T on the coding strand, the complement: PEX19 is on the minus strand). VCF-style: chr1-160279541-G-A. GRCh37 (hg19) VCF-style: chr1-160249331-G-A.
Other names: c.*18C>T (NM_001193644.1).
Identifiers: ClinVar variation 4981126 (VCV004981126.1).